The following is an entry in ClinVar:

ClinVar aggregate classification (germline): Uncertain significance (1 of 4 stars; one submission).

Conditions:
DK1-congenital disorder of glycosylation. Also called: DOLK-congenital disorder of glycosylation; Carbohydrate deficient glycoprotein syndrome type 1m; CDG Im; DK1 DEFICIENCY; DOLICHOL KINASE DEFICIENCY; CONGENITAL DISORDER OF GLYCOSYLATION, TYPE Im. Identifiers: Orphanet 91131, MedGen C1835849, MONDO:0012556, OMIM 610768.

Submission:

Labcorp Genetics (formerly Invitae), Labcorp
Classification: Uncertain significance for DK1-congenital disorder of glycosylation. Last evaluated: 2024-05-13. Review status: criteria provided, single submitter. Criteria: Invitae Variant Classification Sherloc (09022015). Collection method: clinical testing. Allele origin: germline.
Comment: This sequence change replaces proline, which is neutral and non-polar, with serine, which is neutral and polar, at codon 105 of the DOLK protein (p.Pro105Ser). This variant is present in population databases (no rsID available, gnomAD 0.007%). This variant has not been reported in the literature in individuals affected with DOLK-related conditions. ClinVar contains an entry for this variant (Variation ID: 2108480). An algorithm developed to predict the effect of missense changes on protein structure and function (PolyPhen-2) suggests that this variant is likely to be tolerated. In summary, the available evidence is currently insufficient to determine the role of this variant in disease. Therefore, it has been classified as a Variant of Uncertain Significance.

NM_014908.4(DOLK):c.313C>T (p.Pro105Ser)

Gene: DOLK (dolichol kinase; minus strand). Cytogenetic location: 9q34.11.
Variant type: single nucleotide variant.
Coding change: c.313C>T on transcript NM_014908.4 (MANE Select); coding-DNA position 313, C replaced by T.
Protein change: p.Pro105Ser; replaces proline 105 with serine.
Molecular consequence: missense variant.
Genome position (GRCh38, 1-based): chr9:128,946,991, G>A on the plus strand (C>T on the coding strand, the complement: DOLK is on the minus strand). VCF-style: chr9-128946991-G-A. GRCh37 (hg19) VCF-style: chr9-131709270-G-A.
Other names: short protein forms P105S.
Identifiers: ClinVar variation 2108480 (VCV002108480.4), dbSNP rs1454594732, ClinGen allele CA375126697.